The following is an entry in ClinVar:

ClinVar aggregate classification (germline): Uncertain significance (1 of 4 stars; one submission).

Conditions:
MELAS syndrome (MELAS). Also called: Juvenile myopathy, encephalopathy, lactic acidosis, stroke. Identifiers: Orphanet 550, MedGen C0162671, MONDO:0010789, OMIM 540000.

Submission:

Wong Mito Lab, Molecular and Human Genetics, Baylor College of Medicine
Classification: Uncertain significance for MELAS syndrome. Last evaluated: 2019-07-12. Review status: criteria provided, single submitter. Criteria: Modified ACMG Guidelines (Unpublished). Collection method: clinical testing. Allele origin: germline.
Comment: The NC_012920.1:m.1654T>C variant in MT-TV gene is interpreted to be a Unknown Significance variant based on the modified ACMG guidelines (unpublished). This variant meets the following evidence codes reported in the guidelines: BP4

Literature cited by the submitters: PubMed 31965079.

NC_012920.1(MT-TV):m.1654T>C

Gene: MT-TV (mitochondrially encoded tRNA valine; plus strand).
Variant type: single nucleotide variant.
Genome position: chrM-1654-T-C.
Identifiers: ClinVar variation 689848 (VCV000689848.1), dbSNP rs1603218602, ClinGen allele CA913163419.